The following is an entry in ClinVar:

NM_001114753.3(ENG):c.319C>T (p.Leu107=)

Gene: ENG (endoglin; minus strand). Cytogenetic location: 9q34.11.
Variant type: single nucleotide variant.
Coding change: c.319C>T on transcript NM_001114753.3 (MANE Select); coding-DNA position 319, C replaced by T.
Protein change: p.Leu107=; no amino-acid change (leucine 107 retained).
Molecular consequence: synonymous variant. On other transcripts: 5 prime UTR variant (1).
Genome position (GRCh38, 1-based): chr9:127,829,728, G>A on the plus strand (C>T on the coding strand, the complement: ENG is on the minus strand). VCF-style: chr9-127829728-G-A. GRCh37 (hg19) VCF-style: chr9-130592007-G-A.
Other names: c.-228C>T (NM_001278138.2); c.319C>T, p.Leu107= (NM_001406715.1, NM_000118.4).
Identifiers: ClinVar variation 2659516 (VCV002659516.24), dbSNP rs751531848, ClinGen allele CA5253162.

ClinVar aggregate classification (germline): Likely benign (1 of 4 stars; one submission).

Allele frequency attached by ClinVar (database versions not stated): gnomAD exomes below 0.00001; TOPMed below 0.00001; ExAC 0.00001.
gnomAD v4.1: 5 of 1,614,182 alleles (0.00031%); highest among the groups gnomAD compares: South Asian, 0.0011%; no homozygotes.

Submission:

CeGaT Center for Human Genetics Tuebingen
Classification: Likely benign. Last evaluated: 2023-03-01. Review status: criteria provided, single submitter. Criteria: CeGaT Center For Human Genetics Tuebingen Variant Classification Criteria Version 2. Collection method: clinical testing. Allele origin: germline. Affected: yes. Observed: 1 variant allele.
Comment: ENG: BP4, BP7